The following is an entry in ClinVar:

NM_001165958.2(GSDMB):c.1077C>T (p.Thr359=)

Gene: GSDMB (gasdermin B; minus strand). Cytogenetic location: 17q21.1.
Variant type: single nucleotide variant.
Coding change: c.1077C>T on transcript NM_001165958.2 (MANE Select); coding-DNA position 1077, C replaced by T.
Protein change: p.Thr359=; no amino-acid change (threonine 359 retained).
Molecular consequence: synonymous variant. On other transcripts: non-coding transcript variant (5).
Genome position (GRCh38, 1-based): chr17:39,905,447, G>A on the plus strand (C>T on the coding strand, the complement: GSDMB is on the minus strand). VCF-style: chr17-39905447-G-A. GRCh37 (hg19) VCF-style: chr17-38061700-G-A.
Other names: c.1038C>T, p.Thr346= (NM_001042471.2, NM_001369402.2, NM_001388422.1); c.1050C>T, p.Thr350= (NM_001165959.2, NM_001388421.1); c.1077C>T, p.Thr359= (NM_001388420.1); c.1011C>T, p.Thr337= (NM_001388423.1, NM_018530.3); c.765C>T, p.Thr255= (NM_001388424.1).
Identifiers: ClinVar variation 2647728 (VCV002647728.24), dbSNP rs199978390, ClinGen allele CA8536184.

ClinVar aggregate classification (germline): Likely benign (1 of 4 stars; one submission).

Allele frequency attached by ClinVar (database versions not stated): gnomAD 0.00001; TOPMed 0.00002; ExAC 0.00005; gnomAD exomes 0.00006; ESP Exome Variant Server 0.00008; 1000 Genomes Project 30x 0.00016; 1000 Genomes Project 0.00020.
gnomAD v4.1: 83 of 1,607,892 alleles (0.0052%); highest among the groups gnomAD compares: Non-Finnish European, 0.0069%; no homozygotes.

Submission:

CeGaT Center for Human Genetics Tuebingen
Classification: Likely benign. Last evaluated: 2023-01-01. Review status: criteria provided, single submitter. Criteria: CeGaT Center For Human Genetics Tuebingen Variant Classification Criteria Version 2. Collection method: clinical testing. Allele origin: germline. Affected: yes. Observed: 1 variant allele.
Comment: GSDMB: BP4, BP7